The following is an entry in ClinVar:

ClinVar aggregate classification (germline): Pathogenic/Likely pathogenic. Review status: criteria provided, multiple submitters, no conflicts (2 of 4 stars). 2 submissions from 2 submitters: Pathogenic (1); Likely pathogenic (1). Last evaluated 2025-01-23.

Conditions:
Microcephaly 2, primary, autosomal recessive, with or without cortical malformations. Also called: MICROCEPHALY 2, PRIMARY, AUTOSOMAL RECESSIVE, WITH CORTICAL MALFORMATIONS; WDR62 Primary Microcephaly. Identifiers: Orphanet 2512, MedGen C1858535, MONDO:0011435, OMIM 604317.

gnomAD v4.1: 11 of 1,602,028 alleles (0.00069%); highest among the groups gnomAD compares: East Asian, 0.0022%; no homozygotes.

Submissions (2):

Labcorp Genetics (formerly Invitae), Labcorp
Classification: Pathogenic. Last evaluated: 2025-01-23. Review status: criteria provided, single submitter. Criteria: Invitae Variant Classification Sherloc (09022015). Collection method: clinical testing. Allele origin: germline.
Comment: This sequence change creates a premature translational stop signal (p.Arg512*) in the WDR62 gene. It is expected to result in an absent or disrupted protein product. Loss-of-function variants in WDR62 are known to be pathogenic (PMID: 20729831). This variant is present in population databases (rs201993064, gnomAD 0.008%). This variant has not been reported in the literature in individuals affected with WDR62-related conditions. Algorithms developed to predict the effect of sequence changes on RNA splicing suggest that this variant may disrupt the consensus splice site. For these reasons, this variant has been classified as Pathogenic.

Revvity Omics, Revvity
Classification: Likely pathogenic for Microcephaly 2, primary, autosomal recessive, with or without cortical malformations. Last evaluated: 2024-12-16. Review status: criteria provided, single submitter. Criteria: ACMG Guidelines, 2015. Collection method: clinical testing. Allele origin: germline.

Literature cited by the submitters: PubMed 20729831 (cited by Labcorp Genetics (formerly Invitae), Labcorp).

NM_001083961.2(WDR62):c.1534C>T (p.Arg512Ter)

Gene: WDR62 (WD repeat domain 62; plus strand). Cytogenetic location: 19q13.12.
Variant type: single nucleotide variant.
Coding change: c.1534C>T on transcript NM_001083961.2 (MANE Select); coding-DNA position 1534, C replaced by T.
Protein change: p.Arg512Ter; replaces arginine 512 with a stop codon.
Molecular consequence: nonsense.
Genome position (GRCh38, 1-based): chr19:36,083,225, C>T. VCF-style: chr19-36083225-C-T. GRCh37 (hg19) VCF-style: chr19-36574127-C-T.
Other names: c.1519C>T, p.Arg507Ter (NM_001411145.1); c.1534C>T, p.Arg512Ter (NM_001411146.1, NM_173636.5); c.1183C>T, p.Arg395Ter (NM_001411147.1); short protein forms R507*, R395*, R512*.
Identifiers: ClinVar variation 3677924 (VCV003677924.3).